The following is an entry in ClinVar:

NM_014264.5(PLK4):c.2912G>C (p.Ter971Ser)

Gene: PLK4 (polo like kinase 4; plus strand). Cytogenetic location: 4q28.1.
Variant type: single nucleotide variant.
Coding change: c.2912G>C on transcript NM_014264.5 (MANE Select); coding-DNA position 2912, G replaced by C.
Protein change: p.Ter971Ser.
Molecular consequence: stop lost.
Genome position (GRCh38, 1-based): chr4:127,898,540, G>C. VCF-style: chr4-127898540-G-C. GRCh37 (hg19) VCF-style: chr4-128819695-G-C.
Other names: c.2816G>C, p.Ter939Ser (NM_001190799.2); c.2789G>C, p.Ter930Ser (NM_001190801.2).
Identifiers: ClinVar variation 1922481 (VCV001922481.2), dbSNP rs578179613, ClinGen allele CA3077196.

ClinVar aggregate classification (germline): Uncertain significance (1 of 4 stars; one submission).

gnomAD v4.1: 42 of 1,339,268 alleles (0.0031%); highest among the groups gnomAD compares: Non-Finnish European, 0.0044%; no homozygotes.

Submission:

Labcorp Genetics (formerly Invitae), Labcorp
Classification: Uncertain significance. Last evaluated: 2022-10-13. Review status: criteria provided, single submitter. Criteria: Invitae Variant Classification Sherloc (09022015). Collection method: clinical testing. Allele origin: germline.
Comment: This sequence change disrupts the translational stop signal of the PLK4 mRNA. It is expected to extend the length of the PLK4 protein by 8 additional amino acid residues. This variant is present in population databases (rs578179613, gnomAD 0.0009%). This variant has not been reported in the literature in individuals affected with PLK4-related conditions. In summary, the available evidence is currently insufficient to determine the role of this variant in disease. Therefore, it has been classified as a Variant of Uncertain Significance.